The following is an entry in ClinVar:

NM_182916.3(TRNT1):c.179G>T (p.Arg60Ile)

Gene: TRNT1 (tRNA nucleotidyl transferase 1; plus strand). Cytogenetic location: 3p26.2.
Variant type: single nucleotide variant.
Coding change: c.179G>T on transcript NM_182916.3 (MANE Select); coding-DNA position 179, G replaced by T.
Protein change: p.Arg60Ile; replaces arginine 60 with isoleucine.
Molecular consequence: missense variant. On other transcripts: non-coding transcript variant (8).
Genome position (GRCh38, 1-based): chr3:3,137,290, G>T. VCF-style: chr3-3137290-G-T. GRCh37 (hg19) VCF-style: chr3-3178974-G-T.
Other names: c.179G>T, p.Arg60Ile (NM_001302946.2, NM_001367321.1, NM_001367322.1 and 1 more transcripts); short protein forms R60I.
Identifiers: ClinVar variation 1044687 (VCV001044687.5), dbSNP rs1283386278, ClinGen allele CA351442981.

ClinVar aggregate classification (germline): Uncertain significance (1 of 4 stars; one submission).

Conditions:
Congenital sideroblastic anemia-B-cell immunodeficiency-periodic fever-developmental delay syndrome. Also called: Sideroblastic anemia with B-cell immunodeficiency, periodic fevers, and developmental delay. Identifiers: Orphanet 369861, MedGen C4015172, MONDO:0014487, OMIM 616084.

Allele frequency attached by ClinVar (database versions not stated): gnomAD exomes below 0.00001.
gnomAD v4.1: 3 of 1,597,320 alleles (0.00019%); highest among the groups gnomAD compares: Non-Finnish European, 0.00017%; no homozygotes.

Submission:

Labcorp Genetics (formerly Invitae), Labcorp
Classification: Uncertain significance for Congenital sideroblastic anemia-B-cell immunodeficiency-periodic fever-developmental delay syndrome. Last evaluated: 2020-03-31. Review status: criteria provided, single submitter. Criteria: Invitae Variant Classification Sherloc (09022015). Collection method: clinical testing. Allele origin: germline.
Comment: This sequence change replaces arginine with isoleucine at codon 60 of the TRNT1 protein (p.Arg60Ile). The arginine residue is highly conserved and there is a moderate physicochemical difference between arginine and isoleucine. In summary, the available evidence is currently insufficient to determine the role of this variant in disease. Therefore, it has been classified as a Variant of Uncertain Significance. Algorithms developed to predict the effect of missense changes on protein structure and function are either unavailable or do not agree on the potential impact of this missense change (SIFT: "Deleterious"; PolyPhen-2: "Probably Damaging"; Align-GVGD: "Class C0"). This variant has not been reported in the literature in individuals with TRNT1-related conditions. This variant is not present in population databases (ExAC no frequency).